The following is an entry in ClinVar:

ClinVar aggregate classification (germline): Uncertain significance (1 of 4 stars; one submission).

gnomAD v4.1: 1 of 1,613,452 alleles (0.000062%); highest among the groups gnomAD compares: Non-Finnish European, 0.000085%; no homozygotes.

Submission:

GeneDx
Classification: Uncertain significance. Last evaluated: 2025-06-23. Review status: criteria provided, single submitter. Criteria: GeneDx Variant Classification Process June 2021. Collection method: clinical testing. Allele origin: germline. Affected: yes.
Comment: Not observed at significant frequency in large population cohorts (gnomAD); In silico analysis suggests that this missense variant does not alter protein structure/function; Has not been previously published as pathogenic or benign to our knowledge

NM_001190274.2(FBXO11):c.1321C>T (p.His441Tyr)

Gene: FBXO11 (F-box protein 11; minus strand). Cytogenetic location: 2p16.3.
Variant type: single nucleotide variant.
Coding change: c.1321C>T on transcript NM_001190274.2 (MANE Select); coding-DNA position 1321, C replaced by T.
Protein change: p.His441Tyr; replaces histidine 441 with tyrosine.
Molecular consequence: missense variant.
Genome position (GRCh38, 1-based): chr2:47,832,426, G>A on the plus strand (C>T on the coding strand, the complement: FBXO11 is on the minus strand). VCF-style: chr2-47832426-G-A. GRCh37 (hg19) VCF-style: chr2-48059565-G-A.
Other names: c.1069C>T, p.His357Tyr (NM_001374325.1, NM_025133.4); short protein forms H357Y, H441Y.
Identifiers: ClinVar variation 4540179 (VCV004540179.1).